The following is an entry in ClinVar:

NM_002317.7(LOX):c.857G>C (p.Trp286Ser)

Genes: LOX (lysyl oxidase; minus strand), SRFBP1 (serum response factor binding protein 1; plus strand). Cytogenetic location: 5q23.1.
Variant type: single nucleotide variant.
Coding change: c.857G>C on transcript NM_002317.7 (MANE Select); coding-DNA position 857, G replaced by C.
Protein change: p.Trp286Ser; replaces tryptophan 286 with serine.
Molecular consequence: missense variant. On other transcripts: 5 prime UTR variant (1).
Genome position (GRCh38, 1-based): chr5:122,075,425, C>G on the plus strand (G>C on the coding strand, the complement: LOX is on the minus strand). VCF-style: chr5-122075425-C-G. GRCh37 (hg19) VCF-style: chr5-121411120-C-G.
Other names: c.167G>C, p.Trp56Ser (NM_001178102.2); c.-35G>C (NM_001317073.1); short protein forms W56S, W286S.
Identifiers: ClinVar variation 4710014 (VCV004710014.1).

ClinVar aggregate classification (germline): Uncertain significance (1 of 4 stars; one submission).

Submission:

Labcorp Genetics (formerly Invitae), Labcorp
Classification: Uncertain significance. Last evaluated: 2025-04-22. Review status: criteria provided, single submitter. Criteria: Invitae Variant Classification Sherloc (09022015). Collection method: clinical testing. Allele origin: germline.
Comment: This sequence change replaces tryptophan, which is neutral and slightly polar, with serine, which is neutral and polar, at codon 286 of the LOX protein (p.Trp286Ser). This variant is not present in population databases (gnomAD no frequency). This variant has not been reported in the literature in individuals affected with LOX-related conditions. Invitae Evidence Modeling of protein sequence and biophysical properties (such as structural, functional, and spatial information, amino acid conservation, physicochemical variation, residue mobility, and thermodynamic stability) indicates that this missense variant is expected to disrupt LOX protein function with a positive predictive value of 95%. In summary, the available evidence is currently insufficient to determine the role of this variant in disease. Therefore, it has been classified as a Variant of Uncertain Significance.